The following is an entry in ClinVar:

ClinVar aggregate classification (germline): Uncertain significance (1 of 4 stars; one submission).

Allele frequency attached by ClinVar (database versions not stated): gnomAD exomes below 0.00001; TOPMed 0.00002; gnomAD 0.00003.
gnomAD v4.1: 5 of 1,201,532 alleles (0.00042%); highest among the groups gnomAD compares: African/African-American, 0.0088%; no homozygotes.

Submission:

GeneDx
Classification: Uncertain significance. Last evaluated: 2024-08-07. Review status: criteria provided, single submitter. Criteria: GeneDx Variant Classification Process June 2021. Collection method: clinical testing. Allele origin: germline. Affected: yes.
Comment: In silico analysis indicates that this missense variant does not alter protein structure/function; Has not been previously published as pathogenic or benign to our knowledge

NM_014927.5(CNKSR2):c.1115G>C (p.Cys372Ser)

Gene: CNKSR2 (connector enhancer of kinase suppressor of Ras 2; plus strand). Cytogenetic location: Xp22.12.
Variant type: single nucleotide variant.
Coding change: c.1115G>C on transcript NM_014927.5 (MANE Select); coding-DNA position 1115, G replaced by C.
Protein change: p.Cys372Ser; replaces cysteine 372 with serine.
Molecular consequence: missense variant.
Genome position (GRCh38, 1-based): chrX:21,531,879, G>C. VCF-style: chrX-21531879-G-C. GRCh37 (hg19) VCF-style: chrX-21549997-G-C.
Other names: c.1115G>C, p.Cys372Ser (NM_001168647.3, NM_001168648.3, NM_001330773.2); c.968G>C, p.Cys323Ser (NM_001168649.3, NM_001330770.2, NM_001330771.2 and 1 more transcripts); short protein forms C323S, C372S.
Identifiers: ClinVar variation 1329555 (VCV001329555.3), dbSNP rs151168016, ClinGen allele CA412551054.
Genomic context (GRCh38, chrX:21,531,879, plus strand): 5'-TTTCTACATCTTCTCCTTTACTCTAACCTTTCTTTAGGGATGAAAAAGGAAACCTTCCTT[G>C]TGAAGACCTCAGAGGACATATGGTGGGCAAGCCAGTGCATAAGGGATCTGAATCACCAAA-3'
Protein context (NP_055742.2, residues 362-382): IPRDEKGNLP[Cys372Ser]EDLRGHMVGK